The following is an entry in ClinVar:

ClinVar aggregate classification (germline): Uncertain significance (1 of 4 stars; one submission).

Allele frequency attached by ClinVar (database versions not stated): ExAC 0.00001.

Submission:

Labcorp Genetics (formerly Invitae), Labcorp
Classification: Uncertain significance. Last evaluated: 2023-08-28. Review status: criteria provided, single submitter. Criteria: Invitae Variant Classification Sherloc (09022015). Collection method: clinical testing. Allele origin: germline.
Comment: In summary, the available evidence is currently insufficient to determine the role of this variant in disease. Therefore, it has been classified as a Variant of Uncertain Significance. Advanced modeling of protein sequence and biophysical properties (such as structural, functional, and spatial information, amino acid conservation, physicochemical variation, residue mobility, and thermodynamic stability) performed at Invitae indicates that this missense variant is not expected to disrupt PPP3CA protein function. This variant has not been reported in the literature in individuals affected with PPP3CA-related conditions. The frequency data for this variant in the population databases is considered unreliable, as metrics indicate poor data quality at this position in the gnomAD database. This sequence change replaces lysine, which is basic and polar, with arginine, which is basic and polar, at codon 142 of the PPP3CA protein (p.Lys142Arg).

NM_000944.5(PPP3CA):c.425A>G (p.Lys142Arg)

Gene: PPP3CA (protein phosphatase 3 catalytic subunit alpha; minus strand). Cytogenetic location: 4q24.
Variant type: single nucleotide variant.
Coding change: c.425A>G on transcript NM_000944.5 (MANE Select); coding-DNA position 425, A replaced by G.
Protein change: p.Lys142Arg; replaces lysine 142 with arginine.
Molecular consequence: missense variant.
Genome position (GRCh38, 1-based): chr4:101,099,682, T>C on the plus strand (A>G on the coding strand, the complement: PPP3CA is on the minus strand). VCF-style: chr4-101099682-T-C. GRCh37 (hg19) VCF-style: chr4-102020839-T-C.
Other names: c.425A>G, p.Lys142Arg (NM_001130691.2, NM_001130692.2); short protein forms K142R.
Identifiers: ClinVar variation 2755809 (VCV002755809.3), dbSNP rs748623959, ClinGen allele CA3024494.